The following is an entry in ClinVar:

NM_000458.4(HNF1B):c.686AGA[1] (p.Lys230del)

Genes: HNF1B (HNF1 homeobox B; minus strand), LOC126862549 (BRD4-independent group 4 enhancer GRCh37_chr17:36093401-36094600; plus strand). Cytogenetic location: 17q12.
Variant type: Microsatellite.
Coding change: c.686AGA[1] on transcript NM_000458.4 (MANE Select); one copy of the 3-base unit AGA starting at c.686; the reference has two copies in a row; one copy, 3 bases deleted.
Protein change: p.Lys230del; deletes lysine 230.
Molecular consequence: inframe deletion. On other transcripts: inframe indel (1).
Genome position (GRCh38, 1-based): chr17:37,733,675-37,733,677, TCT deleted on the plus strand (AGA on the coding strand, the reverse complement: HNF1B is on the minus strand); deleting any 3 consecutive bases within chr17:37,733,675-37,733,681 gives the same sequence; the position shown is the placement nearest the transcript's 3' end. VCF-style (leftmost placement, unchanged base first): chr17-37733674-ATCT-A. GRCh37 (hg19) VCF-style: chr17-36093667-ATCT-A.
Other names: c.608AGA[1], p.Lys204del (NM_001165923.4, NM_001304286.2); c.685_687AAG[1], p.Lys230del (NM_001411100.1); short protein forms K230del, K204del.
Identifiers: ClinVar variation 1963446 (VCV001963446.5), dbSNP rs2511809392, ClinGen allele CA2580613122.

ClinVar aggregate classification (germline): Uncertain significance (1 of 4 stars; one submission).

Submission:

Labcorp Genetics (formerly Invitae), Labcorp
Classification: Uncertain significance. Last evaluated: 2022-02-09. Review status: criteria provided, single submitter. Criteria: Invitae Variant Classification Sherloc (09022015). Collection method: clinical testing. Allele origin: germline.
Comment: In summary, the available evidence is currently insufficient to determine the role of this variant in disease. Therefore, it has been classified as a Variant of Uncertain Significance. Experimental studies and prediction algorithms are not available or were not evaluated, and the functional significance of this variant is currently unknown. This variant has not been reported in the literature in individuals affected with HNF1B-related conditions. This variant is not present in population databases (gnomAD no frequency). This variant, c.689_691del, results in the deletion of 1 amino acid(s) of the HNF1B protein (p.Lys230del), but otherwise preserves the integrity of the reading frame.